The following is an entry in ClinVar:

NM_004415.4(DSP):c.2464A>C (p.Lys822Gln)

Gene: DSP (desmoplakin; plus strand). Cytogenetic location: 6p24.3.
Variant type: single nucleotide variant.
Coding change: c.2464A>C on transcript NM_004415.4 (MANE Select); coding-DNA position 2464, A replaced by C.
Protein change: p.Lys822Gln; replaces lysine 822 with glutamine.
Molecular consequence: missense variant.
Genome position (GRCh38, 1-based): chr6:7,575,322, A>C. VCF-style: chr6-7575322-A-C. GRCh37 (hg19) VCF-style: chr6-7575555-A-C.
Other names: c.2464A>C, p.Lys822Gln (NM_001008844.3, NM_001319034.2); short protein forms K822Q.
Identifiers: ClinVar variation 3755074 (VCV003755074.2).

ClinVar aggregate classification (germline): Uncertain significance (1 of 4 stars; one submission).

Conditions:
Arrhythmogenic right ventricular dysplasia 8 (ARVD8). Also called: Arrhythmogenic Right Ventricular Dysplasia/Cardiomyopathy 8; ARRHYTHMOGENIC RIGHT VENTRICULAR DYSPLASIA, FAMILIAL, 8; ARRHYTHMOGENIC RIGHT VENTRICULAR CARDIOMYOPATHY 8. Identifiers: MedGen C1843896, MONDO:0011831, OMIM 607450.
Arrhythmogenic cardiomyopathy with wooly hair and keratoderma. Also called: PALMOPLANTAR KERATODERMA WITH LEFT VENTRICULAR CARDIOMYOPATHY AND WOOLLY HAIR; Carvajal syndrome; Dilated cardiomyopathy with woolly hair and keratoderma; Arrhythmogenic cardiomyopathy with woolly hair and keratoderma. Identifiers: Orphanet 65282, MedGen C1854063, MONDO:0011581, OMIM 605676.

Submission:

Labcorp Genetics (formerly Invitae), Labcorp
Classification: Uncertain significance for Arrhythmogenic cardiomyopathy with wooly hair and keratoderma; Arrhythmogenic right ventricular dysplasia 8. Last evaluated: 2024-03-11. Review status: criteria provided, single submitter. Criteria: Invitae Variant Classification Sherloc (09022015). Collection method: clinical testing. Allele origin: germline.
Comment: This sequence change replaces lysine, which is basic and polar, with glutamine, which is neutral and polar, at codon 822 of the DSP protein (p.Lys822Gln). This variant is not present in population databases (gnomAD no frequency). This variant has not been reported in the literature in individuals affected with DSP-related conditions. Algorithms developed to predict the effect of missense changes on protein structure and function output the following: SIFT: "Not Available"; PolyPhen-2: "Benign"; Align-GVGD: "Not Available". The glutamine amino acid residue is found in multiple mammalian species, which suggests that this missense change does not adversely affect protein function. In summary, the available evidence is currently insufficient to determine the role of this variant in disease. Therefore, it has been classified as a Variant of Uncertain Significance.